The following is an entry in ClinVar:

ClinVar aggregate classification (germline): Uncertain significance. Review status: criteria provided, multiple submitters, no conflicts (2 of 4 stars). 3 submissions from 3 submitters: Uncertain significance (3). Last evaluated 2025-08-02.

Conditions:
DNAH9-related disorder. Also called: DNAH9-related condition.
Inborn genetic diseases. Identifiers: MedGen C0950123, MeSH D030342.

Allele frequency attached by ClinVar (database versions not stated): gnomAD exomes 0.00001; ExAC 0.00004; ESP Exome Variant Server 0.00023.
gnomAD v4.1: 33 of 1,613,984 alleles (0.002%); highest among the groups gnomAD compares: African/African-American, 0.028%; no homozygotes.

Submissions (3):

Ambry Genetics
Classification: Uncertain significance for Inborn genetic diseases. Last evaluated: 2025-08-02. Review status: criteria provided, single submitter. Criteria: Ambry Variant Classification Scheme 2023. Collection method: clinical testing. Allele origin: germline.

PreventionGenetics, part of Exact Sciences
Classification: Uncertain significance for DNAH9-related condition. Last evaluated: 2025-03-14. Review status: criteria provided, single submitter. Criteria: ACMG Guidelines, 2015. Collection method: clinical testing. Allele origin: germline.
Comment: The DNAH9 c.11161G>A variant is predicted to result in the amino acid substitution p.Glu3721Lys. To our knowledge, this variant has not been reported in the literature. This variant is reported in 0.052% of alleles in individuals of African descent in gnomAD. At this time, the clinical significance of this variant is uncertain due to the absence of conclusive functional and genetic evidence.

Labcorp Genetics (formerly Invitae), Labcorp
Classification: Uncertain significance. Last evaluated: 2024-12-03. Review status: criteria provided, single submitter. Criteria: Invitae Variant Classification Sherloc (09022015). Collection method: clinical testing. Allele origin: germline.
Comment: This sequence change replaces glutamic acid, which is acidic and polar, with lysine, which is basic and polar, at codon 3721 of the DNAH9 protein (p.Glu3721Lys). This variant is present in population databases (rs138741660, gnomAD 0.05%). This variant has not been reported in the literature in individuals affected with DNAH9-related conditions. ClinVar contains an entry for this variant (Variation ID: 2632091). Invitae Evidence Modeling of protein sequence and biophysical properties (such as structural, functional, and spatial information, amino acid conservation, physicochemical variation, residue mobility, and thermodynamic stability) indicates that this missense variant is not expected to disrupt DNAH9 protein function with a negative predictive value of 80%. In summary, the available evidence is currently insufficient to determine the role of this variant in disease. Therefore, it has been classified as a Variant of Uncertain Significance.

NM_001372.4(DNAH9):c.11161G>A (p.Glu3721Lys)

Gene: DNAH9 (dynein axonemal heavy chain 9; plus strand). Cytogenetic location: 17p12.
Variant type: single nucleotide variant.
Coding change: c.11161G>A on transcript NM_001372.4 (MANE Select); coding-DNA position 11161, G replaced by A.
Protein change: p.Glu3721Lys; replaces glutamic acid 3721 with lysine.
Molecular consequence: missense variant.
Genome position (GRCh38, 1-based): chr17:11,891,825, G>A. VCF-style: chr17-11891825-G-A. GRCh37 (hg19) VCF-style: chr17-11795142-G-A.
Other names: c.97G>A, p.Glu33Lys (NM_004662.2); short protein forms E33K, E3721K.
Identifiers: ClinVar variation 2632091 (VCV002632091.4), dbSNP rs138741660, ClinGen allele CA8397757.
Genomic context (GRCh38, chr17:11,891,825, plus strand): 5'-TTCTGTCCCCAGGCCTTCAGTATCGTCTTCCAGAAGGCTGTGGAGAGGGCTGCTCCTGAC[G>A]AAAGCCTCAGGGAGCGGGTGGCCAACCTAATAGACAGCATAACCTTCTCTGTGTACCAGT-3'
Protein context (NP_001363.2, residues 3711-3731): QKAVERAAPD[Glu3721Lys]SLRERVANLI